The following is an entry in ClinVar:

ClinVar aggregate classification (germline): Uncertain significance (1 of 4 stars; one submission).

Conditions:
Inborn genetic diseases. Identifiers: MedGen C0950123, MeSH D030342.

gnomAD v4.1: 2 of 1,614,038 alleles (0.00012%); highest among the groups gnomAD compares: Admixed American, 0.0017%; no homozygotes.

Submission:

Ambry Genetics
Classification: Uncertain significance for Inborn genetic diseases. Last evaluated: 2026-04-09. Review status: criteria provided, single submitter. Criteria: Ambry Variant Classification Scheme 2023. Collection method: clinical testing. Allele origin: germline.
Comment: The p.P132Q variant (also known as c.395C>A), located in coding exon 4 of the ETV6 gene, results from a C to A substitution at nucleotide position 395. The proline at codon 132 is replaced by glutamine, an amino acid with similar properties. This amino acid position is conserved. In addition, the in silico prediction for this alteration is inconclusive. Based on the available evidence, the clinical significance of this variant remains unclear.

NM_001987.5(ETV6):c.395C>A (p.Pro132Gln)

Gene: ETV6 (ETS variant transcription factor 6; plus strand). Cytogenetic location: 12p13.2.
Variant type: single nucleotide variant.
Coding change: c.395C>A on transcript NM_001987.5 (MANE Select); coding-DNA position 395, C replaced by A.
Protein change: p.Pro132Gln; replaces proline 132 with glutamine.
Molecular consequence: missense variant.
Genome position (GRCh38, 1-based): chr12:11,853,493, C>A. VCF-style: chr12-11853493-C-A. GRCh37 (hg19) VCF-style: chr12-12006427-C-A.
Other names: c.395C>A, p.Pro132Gln (NM_001413916.1, NM_001413917.1); c.392C>A, p.Pro131Gln (NM_001413913.1); c.368C>A, p.Pro123Gln (NM_001413914.1); c.131C>A, p.Pro44Gln (NM_001413915.1); short protein forms P123Q, P131Q, P132Q, P44Q.
Identifiers: ClinVar variation 4870654 (VCV004870654.1).
Genomic context (GRCh38, chr12:11,853,493, plus strand): 5'-TGCTCTATGAACTCCTTCAGCATATTCTGAAGCAGAGGAAACCTCGGATTCTTTTTTCAC[C>A]ATTCTTCCACCCTGGAAACTCTATACACACACAGCCGGAGGTCATACTGCATCAGAACCA-3'
Protein context (NP_001978.1, residues 122-142): KQRKPRILFS[Pro132Gln]FFHPGNSIHT